The following is an entry in ClinVar:

ClinVar aggregate classification (germline): Uncertain significance. Review status: criteria provided, multiple submitters, no conflicts (2 of 4 stars). 2 submissions from 2 submitters: Uncertain significance (2). Last evaluated 2025-06-29.

Conditions:
Hereditary cancer-predisposing syndrome. Also called: Hereditary neoplastic syndrome; Tumor predisposition; Hereditary Cancer Syndrome; Neoplastic Syndromes, Hereditary. Identifiers: Orphanet 140162, MedGen C0027672, MeSH D009386, MONDO:0015356.
Bloom syndrome (BLM). Also called: Bloom-Torre-Machacek syndrome. Identifiers: Orphanet 125, MedGen C0005859, MONDO:0008876, OMIM 210900.

Allele frequency attached by ClinVar (database versions not stated): TOPMed 0.00001; ESP Exome Variant Server 0.00008.

Submissions (2):

Ambry Genetics
Classification: Uncertain significance for Hereditary cancer-predisposing syndrome. Last evaluated: 2025-06-29. Review status: criteria provided, single submitter. Criteria: Ambry Variant Classification Scheme 2023. Collection method: clinical testing. Allele origin: germline.
Comment: The p.E985D variant (also known as c.2955A>C), located in coding exon 14 of the BLM gene, results from an A to C substitution at nucleotide position 2955. The glutamic acid at codon 985 is replaced by aspartic acid, an amino acid with highly similar properties. This amino acid position is well conserved in available vertebrate species. In addition, this alteration is predicted to be tolerated by in silico analysis. Since supporting evidence is limited at this time, the clinical significance of this alteration remains unclear.

Labcorp Genetics (formerly Invitae), Labcorp
Classification: Uncertain significance for Bloom syndrome. Last evaluated: 2023-11-21. Review status: criteria provided, single submitter. Criteria: Invitae Variant Classification Sherloc (09022015). Collection method: clinical testing. Allele origin: germline.
Comment: This sequence change replaces glutamic acid, which is acidic and polar, with aspartic acid, which is acidic and polar, at codon 985 of the BLM protein (p.Glu985Asp). This variant is not present in population databases (gnomAD no frequency). This variant has not been reported in the literature in individuals affected with BLM-related conditions. ClinVar contains an entry for this variant (Variation ID: 2130047). Advanced modeling of protein sequence and biophysical properties (such as structural, functional, and spatial information, amino acid conservation, physicochemical variation, residue mobility, and thermodynamic stability) performed at Invitae indicates that this missense variant is not expected to disrupt BLM protein function with a negative predictive value of 80%. In summary, the available evidence is currently insufficient to determine the role of this variant in disease. Therefore, it has been classified as a Variant of Uncertain Significance.

NM_000057.4(BLM):c.2955A>C (p.Glu985Asp)

Gene: BLM (BLM RecQ like helicase; plus strand). Cytogenetic location: 15q26.1.
Variant type: single nucleotide variant.
Coding change: c.2955A>C on transcript NM_000057.4 (MANE Select); coding-DNA position 2955, A replaced by C.
Protein change: p.Glu985Asp; replaces glutamic acid 985 with aspartic acid.
Molecular consequence: missense variant.
Genome position (GRCh38, 1-based): chr15:90,790,780, A>C. VCF-style: chr15-90790780-A-C. GRCh37 (hg19) VCF-style: chr15-91334010-A-C.
Other names: c.2955A>C, p.Glu985Asp (NM_001287246.2, NM_001287247.2); c.1830A>C, p.Glu610Asp (NM_001287248.2); short protein forms E985D, E610D.
Identifiers: ClinVar variation 2130047 (VCV002130047.7), dbSNP rs138329850, ClinGen allele CA274764715.